The following is an entry in ClinVar:

NM_178857.6(RP1L1):c.5132G>C (p.Gly1711Ala)

Gene: RP1L1 (RP1 like 1). Cytogenetic location: 8p23.1.
Variant type: single nucleotide variant.
Coding change: c.5132G>C on transcript NM_178857.6 (MANE Select); coding-DNA position 5132, G replaced by C.
Protein change: p.Gly1711Ala; replaces glycine 1711 with alanine.
Molecular consequence: missense variant.
Genome position (GRCh38, 1-based): chr8:10,608,966, C>G on the plus strand (G>C on the coding strand, the complement: RP1L1 is on the minus strand). VCF-style: chr8-10608966-C-G. GRCh37 (hg19) VCF-style: chr8-10466476-C-G.
Other names: short protein forms G1711A.
Identifiers: ClinVar variation 424192 (VCV000424192.5), dbSNP rs200635063, ClinGen allele CA4623757.

ClinVar aggregate classification (germline): Conflicting classifications of pathogenicity. Review status: criteria provided, conflicting classifications (1 of 4 stars). 4 submissions from 4 submitters: Uncertain significance (2); Likely benign (2). Last evaluated 2024-10-02.

Conditions:
Retinitis pigmentosa 88. Identifiers: MedGen C5394208, MONDO:0032940, OMIM 618826.
Occult macular dystrophy (OCMD). Also called: OMD; OCCULT MACULAR DYSTROPHY, SUSCEPTIBILITY TO. Identifiers: Orphanet 247834, MedGen C3150833, MONDO:0013316, OMIM 613587, HP:0030636.
Retinal dystrophy. Also called: Inherited retinal dystrophy. Identifiers: Orphanet 71862, MedGen C0854723, MeSH D058499, MONDO:0019118, HP:0000556.

Allele frequency attached by ClinVar (database versions not stated): gnomAD 0.00019 and 0.00025; TOPMed 0.00046; 1000 Genomes Project 30x 0.00109; 1000 Genomes Project 0.00120.
gnomAD v4.1: 270 of 1,613,606 alleles (0.017%); highest among the groups gnomAD compares: East Asian, 0.51%; 1 homozygote.

Submissions (4):

Blueprint Genetics
Classification: Likely benign. Last evaluated: 2024-10-02. Review status: criteria provided, single submitter. Criteria: ACMG Guidelines, 2015. Collection method: clinical testing. Allele origin: germline.

Dept Of Ophthalmology, Nagoya University
Classification: Likely benign for Retinal dystrophy. Last evaluated: 2023-10-01. Review status: criteria provided, single submitter. Criteria: Submitter's publication. Collection method: research. Allele origin: germline. Affected: yes.

Fulgent Genetics
Classification: Uncertain significance for Occult macular dystrophy; Retinitis pigmentosa 88. Last evaluated: 2021-07-02. Review status: criteria provided, single submitter. Criteria: ACMG Guidelines, 2015. Collection method: clinical testing. Allele origin: unknown.

GeneDx
Classification: Uncertain significance. Last evaluated: 2017-03-15. Review status: criteria provided, single submitter. Criteria: GeneDx Variant Classification (06012015). Collection method: clinical testing. Allele origin: germline. Affected: yes.
Comment: The G1711A variant in the RP1L1 gene has not been reported previously as a pathogenic variant, nor as a benign variant, to our knowledge. The G1711A variant is observed in 53/8626 (0.6%) alleles from individuals of East Asian background in the ExAC dataset (Lek et al., 2016). The G1711A variant is a conservative amino acid substitution, which is not likely to impact secondary protein structure as these residues share similar properties. This substitution occurs at a position that is not conserved. In silico analysis predicts this variant likely does not alter the protein structure/function. We interpret G1711A as a variant of uncertain significance.